The following is an entry in ClinVar:

NM_000747.3(CHRNB1):c.1482G>T (p.Leu494Phe)

Gene: CHRNB1 (cholinergic receptor nicotinic beta 1 subunit; plus strand). Cytogenetic location: 17p13.1.
Variant type: single nucleotide variant.
Coding change: c.1482G>T on transcript NM_000747.3 (MANE Select); coding-DNA position 1482, G replaced by T.
Protein change: p.Leu494Phe; replaces leucine 494 with phenylalanine.
Molecular consequence: missense variant.
Genome position (GRCh38, 1-based): chr17:7,456,699, G>T. VCF-style: chr17-7456699-G-T. GRCh37 (hg19) VCF-style: chr17-7360018-G-T.
Other names: short protein forms L494F.
Identifiers: ClinVar variation 573056 (VCV000573056.8), dbSNP rs747251351, ClinGen allele CA8348081.

ClinVar aggregate classification (germline): Uncertain significance (1 of 4 stars; one submission).

Conditions:
Congenital myasthenic syndrome 2A. Also called: Myasthenic syndrome, congenital, 2a, slow-channel. Identifiers: Orphanet 590, MedGen C4225374, MONDO:0014581, OMIM 616313.

Allele frequency attached by ClinVar (database versions not stated): gnomAD exomes below 0.00001; ExAC 0.00001; gnomAD 0.00001 and 0.00002; TOPMed 0.00001.
gnomAD v4.1: 2 of 1,614,018 alleles (0.00012%); highest among the groups gnomAD compares: African/African-American, 0.0027%; no homozygotes.

Submission:

Labcorp Genetics (formerly Invitae), Labcorp
Classification: Uncertain significance for Congenital myasthenic syndrome 2A. Last evaluated: 2024-11-11. Review status: criteria provided, single submitter. Criteria: Invitae Variant Classification Sherloc (09022015). Collection method: clinical testing. Allele origin: germline.
Comment: This sequence change replaces leucine, which is neutral and non-polar, with phenylalanine, which is neutral and non-polar, at codon 494 of the CHRNB1 protein (p.Leu494Phe). This variant is present in population databases (rs747251351, gnomAD 0.007%). This variant has not been reported in the literature in individuals affected with CHRNB1-related conditions. ClinVar contains an entry for this variant (Variation ID: 573056). Invitae Evidence Modeling of protein sequence and biophysical properties (such as structural, functional, and spatial information, amino acid conservation, physicochemical variation, residue mobility, and thermodynamic stability) indicates that this missense variant is not expected to disrupt CHRNB1 protein function with a negative predictive value of 95%. In summary, the available evidence is currently insufficient to determine the role of this variant in disease. Therefore, it has been classified as a Variant of Uncertain Significance.